The following is an entry in ClinVar:

ClinVar aggregate classification (germline): Likely benign. Review status: criteria provided, multiple submitters, no conflicts (2 of 4 stars). 2 submissions from 2 submitters: Likely benign (2). Last evaluated 2023-05-30.

Conditions:
RASopathy. Also called: rasopathies; Noonan spectrum disorder. Identifiers: Orphanet 536391, MedGen C5555857, MONDO:0021060.

Allele frequency attached by ClinVar (database versions not stated): gnomAD 0.00001; TOPMed 0.00003.

Submissions (2):

Labcorp Genetics (formerly Invitae), Labcorp
Classification: Likely benign for RASopathy. Last evaluated: 2023-05-30. Review status: criteria provided, single submitter. Criteria: Invitae Variant Classification Sherloc (09022015). Collection method: clinical testing. Allele origin: germline.

GeneDx
Classification: Likely benign. Last evaluated: 2017-01-19. Review status: criteria provided, single submitter. Criteria: GeneDx Variant Classification (06012015). Collection method: clinical testing. Allele origin: germline. Affected: yes.
Comment: This variant is considered likely benign or benign based on one or more of the following criteria: it is a conservative change, it occurs at a poorly conserved position in the protein, it is predicted to be benign by multiple in silico algorithms, and/or has population frequency not consistent with disease.

NM_030662.4(MAP2K2):c.1046+16C>A

Gene: MAP2K2 (mitogen-activated protein kinase kinase 2; minus strand). Cytogenetic location: 19p13.3.
Variant type: single nucleotide variant.
Coding change: c.1046+16C>A on transcript NM_030662.4 (MANE Select); 16 bases into the intron after coding-DNA position 1046, C replaced by A.
Molecular consequence: intron variant.
Genome position (GRCh38, 1-based): chr19:4,095,372, G>T on the plus strand (C>A on the coding strand, the complement: MAP2K2 is on the minus strand). VCF-style: chr19-4095372-G-T. GRCh37 (hg19) VCF-style: chr19-4095370-G-T.
Identifiers: ClinVar variation 506906 (VCV000506906.8), dbSNP rs906888337, ClinGen allele CA304447513.